The following is an entry in ClinVar:

NM_007194.4(CHEK2):c.403A>G (p.Lys135Glu)

Gene: CHEK2 (checkpoint kinase 2; minus strand). Cytogenetic location: 22q12.1.
Variant type: single nucleotide variant.
Coding change: c.403A>G on transcript NM_007194.4 (MANE Select); coding-DNA position 403, A replaced by G.
Protein change: p.Lys135Glu; replaces lysine 135 with glutamic acid.
Molecular consequence: missense variant.
Genome position (GRCh38, 1-based): chr22:28,725,284, T>C on the plus strand (A>G on the coding strand, the complement: CHEK2 is on the minus strand). VCF-style: chr22-28725284-T-C. GRCh37 (hg19) VCF-style: chr22-29121272-T-C.
Other names: c.532A>G, p.Lys178Glu (NM_001005735.3); c.-375A>G (NM_001257387.3); c.403A>G, p.Lys135Glu (NM_001349956.3, NM_145862.3); short protein forms K135E, K178E.
Identifiers: ClinVar variation 657568 (VCV000657568.9), dbSNP rs1601825425, ClinGen allele CA411108003.

ClinVar aggregate classification (germline): Uncertain significance (1 of 4 stars; one submission).

Conditions:
Familial cancer of breast. Also called: Hereditary breast cancer; hereditary breast carcinoma; BREAST CANCER, FAMILIAL. Identifiers: Orphanet 227535, MedGen C0346153, MONDO:0016419, OMIM 114480. Disease mechanism: loss of function.

Submission:

Labcorp Genetics (formerly Invitae), Labcorp
Classification: Uncertain significance for Familial cancer of breast. Last evaluated: 2024-10-11. Review status: criteria provided, single submitter. Criteria: Invitae Variant Classification Sherloc (09022015). Collection method: clinical testing. Allele origin: germline.
Comment: This sequence change replaces lysine, which is basic and polar, with glutamic acid, which is acidic and polar, at codon 135 of the CHEK2 protein (p.Lys135Glu). This variant is not present in population databases (gnomAD no frequency). This variant has not been reported in the literature in individuals affected with CHEK2-related conditions. ClinVar contains an entry for this variant (Variation ID: 657568). An algorithm developed to predict the effect of missense changes on protein structure and function (PolyPhen-2) suggests that this variant is likely to be tolerated. In summary, the available evidence is currently insufficient to determine the role of this variant in disease. Therefore, it has been classified as a Variant of Uncertain Significance.